The following is an entry in ClinVar:

ClinVar aggregate classification (germline): Uncertain significance (1 of 4 stars; one submission).

Conditions:
Ichthyosis linearis circumflexa. Identifiers: MedGen C0265962, MONDO:0043106, HP:0025810.

gnomAD v4.1: 1 of 1,613,696 alleles (0.000062%); highest among the groups gnomAD compares: Non-Finnish European, 0.000085%; no homozygotes.

Submission:

Labcorp Genetics (formerly Invitae), Labcorp
Classification: Uncertain significance for Ichthyosis linearis circumflexa. Last evaluated: 2020-11-19. Review status: criteria provided, single submitter. Criteria: Invitae Variant Classification Sherloc (09022015). Collection method: clinical testing. Allele origin: germline.
Comment: Algorithms developed to predict the effect of missense changes on protein structure and function output the following: SIFT: "Deleterious"; PolyPhen-2: "Benign"; Align-GVGD: "Class C0". The tyrosine amino acid residue is found in multiple mammalian species, suggesting that this missense change does not adversely affect protein function. These predictions have not been confirmed by published functional studies and their clinical significance is uncertain. In summary, the available evidence is currently insufficient to determine the role of this variant in disease. Therefore, it has been classified as a Variant of Uncertain Significance. This variant has not been reported in the literature in individuals with SPINK5-related conditions. This variant is not present in population databases (ExAC no frequency). This sequence change replaces histidine with tyrosine at codon 972 of the SPINK5 protein (p.His972Tyr). The histidine residue is moderately conserved and there is a moderate physicochemical difference between histidine and tyrosine.

NM_006846.4(SPINK5):c.2914C>T (p.His972Tyr)

Gene: SPINK5 (serine peptidase inhibitor Kazal type 5; plus strand). Cytogenetic location: 5q32.
Variant type: single nucleotide variant.
Coding change: c.2914C>T on transcript NM_006846.4 (MANE Select); coding-DNA position 2914, C replaced by T.
Protein change: p.His972Tyr; replaces histidine 972 with tyrosine.
Molecular consequence: missense variant.
Genome position (GRCh38, 1-based): chr5:148,127,029, C>T. VCF-style: chr5-148127029-C-T. GRCh37 (hg19) VCF-style: chr5-147506592-C-T.
Other names: c.3004C>T, p.His1002Tyr (NM_001127698.2); short protein forms H1002Y, H972Y.
Identifiers: ClinVar variation 1501573 (VCV001501573.8), dbSNP rs897710997, ClinGen allele CA361650753.